The following is an entry in ClinVar:

ClinVar aggregate classification (germline): Uncertain significance. Review status: criteria provided, multiple submitters, no conflicts (2 of 4 stars). 3 submissions from 3 submitters: Uncertain significance (3). Last evaluated 2025-10-18.

Conditions:
Inborn genetic diseases. Identifiers: MedGen C0950123, MeSH D030342.

Allele frequency attached by ClinVar (database versions not stated): gnomAD exomes 0.00004 and 0.00006; gnomAD 0.00006 and 0.00007; 1000 Genomes Project 30x 0.00016; ExAC 0.00016; 1000 Genomes Project 0.00020; TOPMed 0.00006.
gnomAD v4.1: 63 of 1,550,564 alleles (0.0041%); highest among the groups gnomAD compares: Middle Eastern, 0.037%; no homozygotes.

Submissions (3):

Ambry Genetics
Classification: Uncertain significance for Inborn genetic diseases. Last evaluated: 2025-10-18. Review status: criteria provided, single submitter. Criteria: Ambry Variant Classification Scheme 2023. Collection method: clinical testing. Allele origin: germline.

GeneDx
Classification: Uncertain significance. Last evaluated: 2024-06-05. Review status: criteria provided, single submitter. Criteria: GeneDx Variant Classification Process June 2021. Collection method: clinical testing. Allele origin: germline. Affected: yes.
Comment: In silico analysis, which includes protein predictors and evolutionary conservation, supports a deleterious effect; Has not been previously published as pathogenic or benign to our knowledge

ARUP Laboratories, Molecular Genetics and Genomics, ARUP Laboratories
Classification: Uncertain significance. Last evaluated: 2023-11-29. Review status: criteria provided, single submitter. Criteria: ARUP Molecular Germline Variant Investigation Process 2024. Collection method: clinical testing. Allele origin: germline.

NM_001145809.2(MYH14):c.4219C>T (p.Arg1407Cys)

Gene: MYH14 (myosin heavy chain 14; plus strand). Cytogenetic location: 19q13.33.
Variant type: single nucleotide variant.
Coding change: c.4219C>T on transcript NM_001145809.2 (MANE Select); coding-DNA position 4219, C replaced by T.
Protein change: p.Arg1407Cys; replaces arginine 1407 with cysteine.
Molecular consequence: missense variant.
Genome position (GRCh38, 1-based): chr19:50,280,312, C>T. VCF-style: chr19-50280312-C-T. GRCh37 (hg19) VCF-style: chr19-50783569-C-T.
Other names: c.4120C>T, p.Arg1374Cys (NM_001077186.2); c.4096C>T, p.Arg1366Cys (NM_024729.4); short protein forms R1366C, R1407C, R1374C.
Identifiers: ClinVar variation 618738 (VCV000618738.16), dbSNP rs535145284, ClinGen allele CA9593461.